The following is an entry in ClinVar:

NM_003060.4(SLC22A5):c.1412G>A (p.Arg471His)

Gene: SLC22A5 (solute carrier family 22 member 5; plus strand). Cytogenetic location: 5q31.1.
Variant type: single nucleotide variant.
Coding change: c.1412G>A on transcript NM_003060.4 (MANE Select); coding-DNA position 1412, G replaced by A.
Protein change: p.Arg471His; replaces arginine 471 with histidine.
Molecular consequence: missense variant.
Genome position (GRCh38, 1-based): chr5:132,392,577, G>A. VCF-style: chr5-132392577-G-A. GRCh37 (hg19) VCF-style: chr5-131728269-G-A.
Other names: p.Arg471His; c.1484G>A, p.Arg495His (NM_001308122.2); short protein forms R495H.
Identifiers: ClinVar variation 25426 (VCV000025426.27), dbSNP rs386134223, ClinGen allele CA342685.

ClinVar aggregate classification (germline): Pathogenic/Likely pathogenic. Review status: criteria provided, multiple submitters, no conflicts (2 of 4 stars). 11 submissions from 11 submitters: Pathogenic (8); Likely pathogenic (3). Last evaluated 2026-10-08.

Conditions:
Carnitine deficiency. Identifiers: MedGen C1142132.
Renal carnitine transport defect (CDSP). Also called: Systemic primary carnitine deficiency disease; Primary carnitine deficiency; CARNITINE DEFICIENCY, SYSTEMIC, DUE TO DEFECT IN RENAL REABSORPTION OF CARNITINE; CARNITINE TRANSPORTER, PLASMA-MEMBRANE, DEFICIENCY OF; CARNITINE UPTAKE DEFECT; Systemic primary carnitine deficiency. Identifiers: Orphanet 158, MedGen C0342788, MONDO:0008919, OMIM 212140.

gnomAD v4.1: 3 of 1,614,174 alleles (0.00019%); highest among the groups gnomAD compares: Non-Finnish European, 0.00017%; no homozygotes.

Submissions (11):

GeneDx
Classification: Pathogenic. Last evaluated: 2026-10-08. Review status: criteria provided, single submitter. Criteria: GeneDx Variant Classification Process June 2021. Collection method: clinical testing. Allele origin: germline.
Comment: Published functional studies involving in vitro expression of p.R471H in CHO cells demonstrate a significant decrease in carnitine transport activity compared to wild type (PMID: 28841266, 16652335); Not observed at significant frequency in large population cohorts (gnomAD); In silico analysis supports that this missense variant has a deleterious effect on protein structure/function; This variant is associated with the following publications: (PMID: 20027113, 21922592, 25132046, 23379544, 31057083, 16652335, 39468051, 40624458, 41620002, 28841266, 14605509)

Myriad Genetics, Inc.
Classification: Likely pathogenic for Renal carnitine transport defect. Last evaluated: 2026-03-23. Review status: criteria provided, single submitter. Criteria: Myriad Autosomal Dominant, Autosomal Recessive and X-Linked Classification Criteria (2023). Collection method: clinical testing. Allele origin: unknown.
Comment: NM_003060.3(SLC22A5):c.1412G>A(R471H) is a missense variant classified as likely pathogenic in the context of primary carnitine deficiency. R471H has been observed in cases with relevant disease (PMID: 14605509, 36321377, 25132046). Relevant functional assessments of this variant are available in the literature (PMID: 16652335, 28841266). R471H has not been observed in referenced population frequency databases. In summary, NM_003060.3(SLC22A5):c.1412G>A(R471H) is a missense variant that has functional support for pathogenicity and has been observed more frequently in cases with the relevant disease than in healthy populations. Please note: this variant was assessed in the context of healthy population screening.

Labcorp Genetics (formerly Invitae), Labcorp
Classification: Pathogenic for Renal carnitine transport defect. Last evaluated: 2026-01-18. Review status: criteria provided, single submitter. Criteria: Invitae Variant Classification Sherloc (09022015). Collection method: clinical testing. Allele origin: germline.
Comment: This sequence change replaces arginine, which is basic and polar, with histidine, which is basic and polar, at codon 471 of the SLC22A5 protein (p.Arg471His). This variant is not present in population databases (gnomAD no frequency). This missense change has been observed in individual(s) with primary carnitine deficiency (PMID: 14605509, 25132046). In at least one individual the data is consistent with being in trans (on the opposite chromosome) from a pathogenic variant. It has also been observed to segregate with disease in related individuals. ClinVar contains an entry for this variant (Variation ID: 25426). Invitae Evidence Modeling of protein sequence and biophysical properties (such as structural, functional, and spatial information, amino acid conservation, physicochemical variation, residue mobility, and thermodynamic stability) indicates that this missense variant is expected to disrupt SLC22A5 protein function with a positive predictive value of 95%. Experimental studies have shown that this missense change affects SLC22A5 function (PMID: 16652335). For these reasons, this variant has been classified as Pathogenic.

Revvity Omics, Revvity
Classification: Pathogenic for Renal carnitine transport defect. Last evaluated: 2025-06-10. Review status: criteria provided, single submitter. Criteria: ACMG Guidelines, 2015. Collection method: clinical testing. Allele origin: germline.

Mayo Clinic Laboratories, Mayo Clinic
Classification: Pathogenic. Last evaluated: 2025-04-14. Review status: criteria provided, single submitter. Criteria: ACMG Guidelines, 2015. Collection method: clinical testing. Allele origin: germline. Observed: 1 variant allele.
Comment: PP3_moderate, PM2_supporting, PM3_strong, PM5, PS3_supporting

Natera, Inc.
Classification: Pathogenic for Carnitine deficiency. Last evaluated: 2025-02-28. Review status: criteria provided, single submitter. Criteria: Natera Variant Classification Schema (03/2026). Collection method: clinical testing. Allele origin: germline.
Comment: The c.1412G>A variant in SLC22A5 is a missense variant predicted to cause substitution of arginine to histidine at amino acid 471. This variant is rare in the general population with a frequency below the threshold expected for the associated phenotype(s). This variant has been observed in one or more individuals affected with the associated recessive disease, as either homozygous or compound heterozygous with a second variant (PMID: 23379544, 14605509, 25132046). A different variant at the same position has been determined to be Pathogenic or Likely Pathogenic. Computational prediction algorithms indicate this variant is likely to affect gene or protein function. Given the available evidence, this variant is classified as Pathogenic.

Baylor Genetics
Classification: Pathogenic for Renal carnitine transport defect. Last evaluated: 2024-03-18. Review status: criteria provided, single submitter. Criteria: ACMG Guidelines, 2015. Collection method: clinical testing. Allele origin: unknown.

Women's Health and Genetics/Laboratory Corporation of America, LabCorp
Classification: Pathogenic for Renal carnitine transport defect. Last evaluated: 2023-06-19. Review status: criteria provided, single submitter. Criteria: LabCorp Variant Classification Summary - May 2015. Collection method: clinical testing. Allele origin: germline.
Comment: Variant summary: SLC22A5 c.1412G>A (p.Arg471His) results in a non-conservative amino acid change located in the major facilitator superfamily domain (IPR020846) of the encoded protein sequence. Five of five in-silico tools predict a damaging effect of the variant on protein function. The variant was absent in 251434 control chromosomes (gnomAD). c.1412G>A has been reported in the literature as a biallelic genotype in symptomatic and asymptomatic individuals affected with Systemic Primary Carnitine Deficiency (e.g. Spiekerkoetter_2003, Han_2014, Liammongkolkul_2023). These data indicate that the variant is very likely to be associated with disease. Furthermore, publications reporting experimental evidence evaluating an impact on protein function in CHO cells found that the variant results in <2% transport activity compared to the WT protein (e.g. Amat di San Filippo_2006, Frigeni_ 2017). The following publications have been ascertained in the context of this evaluation (PMID: 16652335, 28841266, 25132046, 36321377, 14605509). Four submitters have cited clinical-significance assessments for this variant to ClinVar after 2014. All submitters classified the variant as pathogenic (n=2)/likely pathogenic (n=2). Based on the evidence outlined above, the variant was classified as pathogenic.

Genome-Nilou Lab
Classification: Likely pathogenic for Renal carnitine transport defect. Last evaluated: 2021-07-15. Review status: criteria provided, single submitter. Criteria: ACMG Guidelines, 2015. Collection method: clinical testing. Allele origin: germline. Affected: no.

Illumina Laboratory Services, Illumina
Classification: Likely pathogenic for Renal carnitine transport defect. Last evaluated: 2020-07-10. Review status: criteria provided, single submitter. Criteria: ICSLVariantClassificationCriteria RUGD 01 April 2020. Collection method: clinical testing. Allele origin: unknown.
Comment: The SLC22A5 c.1412G>A (p.Arg471His) variant, alternately known as c.1484G>A (p.Arg495His) when annotated on the NM_001308122.1 transcript, is a missense variant that has been reported in at least four individuals from two unrelated families with systemic primary carnitine deficiency (SPCD). All individuals displayed low serum carnitine and deficient carnitine uptake in fibroblasts, however only one son was symptomatic. In vitro studies in which the p.Arg471His variant was expressed in Chinese hamster ovary (CHO) cells displayed carnitine transport rates of <2% of wild-type (di San Filippo et al. 2006). The p.Arg471His variant is not found in the Genome Aggregation Database in a region of good sequence coverage, so the variant is presumed to be rare. Additionally, Arg471 is a conserved residue located in transmembrane domain 11, a region involved in substrate recognition and transport, and other missense variants impacting the Arg471 residue have been reported in the literature and submitted to ClinVar with likely pathogenic or pathogenic classifications for SPCD (Longo et al. 2016; Landrum et al. 2018). Based on the collective evidence and application of the ACMG criteria, the p.Arg471His variant is classified as likely pathogenic for systemic primary carnitine deficiency.

Juno Genomics, Hangzhou Juno Genomics, Inc
Classification: Pathogenic for Renal carnitine transport defect. Review status: criteria provided, single submitter. Criteria: ACMG Guidelines, 2015. Collection method: clinical testing. Allele origin: germline.
Comment: Absent from controls (or at extremely low frequency if recessive) in Genome Aggregation Database.;For recessive disorders, detected in trans with a pathogenic variant.;Co-segregation with disease in multiple affected family members.;Patient's phenotype or family history is highly specific for a disease with a single genetic etiology.;Well-established in vitro or in vivo functional studies supportive of a damaging effect on the gene or gene product.

Literature cited by the submitters: PubMed 14605509 (cited by 6 submitters); PubMed 16652335 (cited by 5 submitters); PubMed 25132046 (cited by 6 submitters); PubMed 28841266 (cited by 3 submitters); PubMed 36321377 (cited by Myriad Genetics, Inc. and Women's Health and Genetics/Laboratory Corporation of America, LabCorp); PubMed 20027113 (cited by Mayo Clinic Laboratories, Mayo Clinic); PubMed 21922592 (cited by Mayo Clinic Laboratories, Mayo Clinic); PubMed 23379544 (cited by Mayo Clinic Laboratories, Mayo Clinic and Natera, Inc.); PubMed 31057083 (cited by Mayo Clinic Laboratories, Mayo Clinic); PubMed 26828774 (cited by Illumina Laboratory Services, Illumina); PubMed 29165669 (cited by Illumina Laboratory Services, Illumina).